The following is an entry in ClinVar:

ClinVar aggregate classification (germline): Pathogenic (1 of 4 stars; one submission).

Conditions:
Peroxisome biogenesis disorder, complementation group 7 (CG7). Also called: Peroxisome biogenesis disorder, complementation group B. Identifiers: MedGen C1864399.

Submission:

Labcorp Genetics (formerly Invitae), Labcorp
Classification: Pathogenic for Peroxisome biogenesis disorder, complementation group 7. Last evaluated: 2024-02-23. Review status: criteria provided, single submitter. Criteria: Invitae Variant Classification Sherloc (09022015). Collection method: clinical testing. Allele origin: germline.
Comment: This sequence change creates a premature translational stop signal (p.Gln220Thrfs*17) in the PEX10 gene. It is expected to result in an absent or disrupted protein product. Loss-of-function variants in PEX10 are known to be pathogenic (PMID: 9683594, 10862081, 21031596). This variant is not present in population databases (gnomAD no frequency). This variant has not been reported in the literature in individuals affected with PEX10-related conditions. ClinVar contains an entry for this variant (Variation ID: 1070795). Algorithms developed to predict the effect of sequence changes on RNA splicing suggest that this variant may create or strengthen a splice site. For these reasons, this variant has been classified as Pathogenic.

Literature cited by the submitters: PubMed 9683594; PubMed 10862081; PubMed 21031596.

NM_002617.4(PEX10):c.601-4dup

Gene: PEX10 (peroxisomal biogenesis factor 10; minus strand). Cytogenetic location: 1p36.32.
Variant type: Duplication.
Coding change: c.601-4dup on transcript NM_002617.4 (MANE Select); 4 bases into the intron before coding-DNA position 601, one base duplicated (A; older notation c.601-4dupA).
Molecular consequence: intron variant. On other transcripts: frameshift variant (3).
Genome position (GRCh38, 1-based): chr1:2,406,899, T duplicated on the plus strand (A on the coding strand, the reverse complement: PEX10 is on the minus strand). VCF-style (leftmost placement, unchanged base first): chr1-2406898-G-GT. GRCh37 (hg19) VCF-style: chr1-2338337-G-GT.
Other names: c.654dup, p.Gln219fs (NM_001374425.1); c.222dup, p.Gln75fs (NM_001374426.1); c.657dup, p.Gln220fs (NM_153818.2); c.169-4dup (NM_001374427.1); short protein forms Q219fs, Q220fs, Q75fs.
Identifiers: ClinVar variation 1070795 (VCV001070795.5), dbSNP rs2100423250, ClinGen allele CA2499214617.